The following is an entry in ClinVar:

ClinVar aggregate classification (germline): Conflicting classifications of pathogenicity. Review status: criteria provided, conflicting classifications (1 of 4 stars). 2 submissions from 2 submitters: Likely pathogenic (1); Uncertain significance (1). Last evaluated 2023-10-16.

Conditions:
SCN1A-related disorder. Also called: SCN1A-related conditions; SCN1A-related condition; SCN1A-related disorders.
Early-infantile DEE. Also called: Early infantile epileptic encephalopathy with suppression bursts; Ohtahara syndrome; Early infantile epileptic encephalopathy. Identifiers: Orphanet 1934, MedGen C0393706, MONDO:0800491.

Submissions (2):

Labcorp Genetics (formerly Invitae), Labcorp
Classification: Uncertain significance for Early-infantile DEE. Last evaluated: 2023-10-16. Review status: criteria provided, single submitter. Criteria: Invitae Variant Classification Sherloc (09022015). Collection method: clinical testing. Allele origin: germline.
Comment: This sequence change replaces asparagine, which is neutral and polar, with aspartic acid, which is acidic and polar, at codon 1691 of the SCN1A protein (p.Asn1691Asp). This variant is not present in population databases (gnomAD no frequency). This variant has not been reported in the literature in individuals affected with SCN1A-related conditions. Advanced modeling of protein sequence and biophysical properties (such as structural, functional, and spatial information, amino acid conservation, physicochemical variation, residue mobility, and thermodynamic stability) performed at Invitae indicates that this missense variant is expected to disrupt SCN1A protein function. In summary, the available evidence is currently insufficient to determine the role of this variant in disease. Therefore, it has been classified as a Variant of Uncertain Significance.

Blueprint Genetics
Classification: Likely pathogenic for SCN1A-related disorders. Last evaluated: 2018-11-20. Review status: criteria provided, single submitter. Criteria: ACMG Guidelines, 2015. Collection method: clinical testing. Allele origin: germline. Affected: yes. Observed: 1 variant allele.

NM_001165963.4(SCN1A):c.5071A>G (p.Asn1691Asp)

Genes: SCN1A (sodium voltage-gated channel alpha subunit 1; minus strand), LOC102724058 (uncharacterized LOC102724058; plus strand). Cytogenetic location: 2q24.3.
Variant type: single nucleotide variant.
Coding change: c.5071A>G on transcript NM_001165963.4 (MANE Select); coding-DNA position 5071, A replaced by G.
Protein change: p.Asn1691Asp; replaces asparagine 1691 with aspartic acid.
Molecular consequence: missense variant. On other transcripts: non-coding transcript variant (1).
Genome position (GRCh38, 1-based): chr2:165,992,204, T>C on the plus strand (A>G on the coding strand, the complement: SCN1A is on the minus strand). VCF-style: chr2-165992204-T-C. GRCh37 (hg19) VCF-style: chr2-166848714-T-C.
Other names: c.4987A>G, p.Asn1663Asp (NM_001165964.3, NM_001353957.2, NM_001353958.2); c.5071A>G, p.Asn1691Asp (NM_001202435.3, NM_001353948.2); c.5038A>G, p.Asn1680Asp (NM_001353949.2, NM_001353950.2, NM_001353951.2 and 2 more transcripts); c.5035A>G, p.Asn1679Asp (NM_001353954.2, NM_001353955.2); c.4984A>G, p.Asn1662Asp (NM_001353960.2); c.2629A>G, p.Asn877Asp (NM_001353961.2); short protein forms N1662D, N1663D, N1679D, N1691D, N1680D, N877D.
Identifiers: ClinVar variation 2768909 (VCV002768909.4), dbSNP rs2468338014, ClinGen allele CA349069384.